The following is an entry in ClinVar:

NM_032776.3(JMJD1C):c.886C>T (p.Pro296Ser)

Gene: JMJD1C (jumonji domain containing 1C; minus strand). Cytogenetic location: 10q21.3.
Variant type: single nucleotide variant.
Coding change: c.886C>T on transcript NM_032776.3 (MANE Select); coding-DNA position 886, C replaced by T.
Protein change: p.Pro296Ser; replaces proline 296 with serine.
Molecular consequence: missense variant. On other transcripts: non-coding transcript variant (1).
Genome position (GRCh38, 1-based): chr10:63,215,392, G>A on the plus strand (C>T on the coding strand, the complement: JMJD1C is on the minus strand). VCF-style: chr10-63215392-G-A. GRCh37 (hg19) VCF-style: chr10-64975152-G-A.
Other names: c.340C>T, p.Pro114Ser (NM_001282948.2, NM_001318154.2); c.22C>T, p.Pro8Ser (NM_001318153.2); c.772C>T, p.Pro258Ser (NM_001322252.2); c.229C>T, p.Pro77Ser (NM_001322254.2, NM_001322258.2); short protein forms P258S, P296S, P8S, P114S, P77S.
Identifiers: ClinVar variation 3649402 (VCV003649402.1).
Genomic context (GRCh38, chr10:63,215,392, plus strand): 5'-CCTTCCTCTTATTTGGACGGATACTTCTTTGTTGCTGTTGCTGGTGTGTATTCTGTTTTG[G>A]TACAGCAGCTTGGGAGTTCATTGCTGGTCTGGGACTATTTGCTTGGGCACGTGTATAATG-3'
Protein context (NP_116165.1, residues 286-306): RPAMNSQAAV[Pro296Ser]KQNTHQQQQQ

ClinVar aggregate classification (germline): Uncertain significance (1 of 4 stars; one submission).

Conditions:
Early Myoclonic Encephalopathy. Identifiers: MedGen C0270855.

gnomAD v4.1: 2 of 1,614,000 alleles (0.00012%); highest among the groups gnomAD compares: Admixed American, 0.0033%; no homozygotes.

Submission:

Labcorp Genetics (formerly Invitae), Labcorp
Classification: Uncertain significance for Early Myoclonic Encephalopathy. Last evaluated: 2024-05-01. Review status: criteria provided, single submitter. Criteria: Invitae Variant Classification Sherloc (09022015). Collection method: clinical testing. Allele origin: germline.
Comment: This sequence change replaces proline, which is neutral and non-polar, with serine, which is neutral and polar, at codon 296 of the JMJD1C protein (p.Pro296Ser). This variant is present in population databases (no rsID available, gnomAD 0.003%). This variant has not been reported in the literature in individuals affected with JMJD1C-related conditions. An algorithm developed to predict the effect of missense changes on protein structure and function (PolyPhen-2) suggests that this variant¬†is likely to be tolerated. In summary, the available evidence is currently insufficient to determine the role of this variant in disease. Therefore, it has been classified as a Variant of Uncertain Significance.